The following is an entry in ClinVar:

ClinVar aggregate classification (germline): Pathogenic (1 of 4 stars; one submission).

Conditions:
Developmental and epileptic encephalopathy 92. Also called: EPILEPTIC ENCEPHALOPATHY, INFANTILE OR EARLY CHILDHOOD, 2. Identifiers: MedGen C4693362, MONDO:0020631, OMIM 617829.

Submission:

GeneDx
Classification: Pathogenic. Last evaluated: 2025-07-24. Review status: criteria provided, single submitter. Criteria: GeneDx Variant Classification Process June 2021. Collection method: clinical testing. Allele origin: germline. Affected: yes.
Comment: Not observed at significant frequency in large population cohorts (gnomAD); In silico analysis supports that this missense variant has a deleterious effect on protein structure/function; This variant is associated with the following publications: (PMID: 33325057)

NM_001371727.1(GABRB2):c.910G>A (p.Ala304Thr)

Gene: GABRB2 (gamma-aminobutyric acid type A receptor subunit beta2; minus strand). Cytogenetic location: 5q34.
Variant type: single nucleotide variant.
Coding change: c.910G>A on transcript NM_001371727.1 (MANE Select); coding-DNA position 910, G replaced by A.
Protein change: p.Ala304Thr; replaces alanine 304 with threonine.
Molecular consequence: missense variant.
Genome position (GRCh38, 1-based): chr5:161,331,050, C>T on the plus strand (G>A on the coding strand, the complement: GABRB2 is on the minus strand). VCF-style: chr5-161331050-C-T. GRCh37 (hg19) VCF-style: chr5-160758057-C-T.
Other names: c.910G>A, p.Ala304Thr (NM_000813.3, NM_021911.3); c.910G>A (NM_021911.2); short protein forms A304T.
Identifiers: ClinVar variation 972959 (VCV000972959.3), dbSNP rs1753822738, ClinGen allele CA362175362.
Genomic context (GRCh38, chr5:161,331,050, plus strand): 5'-CATATTCCAGAAGGGCCATGAAAACGAAGACAAAGCACCCCATCAGGTACATGTCAATGG[C>T]CTTCACATAGGGGATTTTAGGGAGAGTTTCCCGGAGGTGGGTGTTGATTGTGGTCATTGT-3'
Protein context (NP_001358656.1, residues 294-314): ETLPKIPYVK[Ala304Thr]IDMYLMGCFV